The following is an entry in ClinVar:

NM_001365088.1(SLC12A6):c.1669G>C (p.Gly557Arg)

Gene: SLC12A6 (solute carrier family 12 member 6; minus strand). Cytogenetic location: 15q14.
Variant type: single nucleotide variant.
Coding change: c.1669G>C on transcript NM_001365088.1 (MANE Select); coding-DNA position 1669, G replaced by C.
Protein change: p.Gly557Arg; replaces glycine 557 with arginine.
Molecular consequence: missense variant.
Genome position (GRCh38, 1-based): chr15:34,245,848, C>G on the plus strand (G>C on the coding strand, the complement: SLC12A6 is on the minus strand). VCF-style: chr15-34245848-C-G. GRCh37 (hg19) VCF-style: chr15-34538049-C-G.
Other names: c.1492G>C, p.Gly498Arg (NM_001042494.2, NM_001042495.2); c.1642G>C, p.Gly548Arg (NM_001042496.2); c.1624G>C, p.Gly542Arg (NM_001042497.2); c.1516G>C, p.Gly506Arg (NM_005135.2); c.1669G>C, p.Gly557Arg (NM_133647.2); short protein forms G548R, G498R, G542R, G506R, G557R.
Identifiers: ClinVar variation 1380605 (VCV001380605.5), dbSNP rs2140693680, ClinGen allele CA391621290.

ClinVar aggregate classification (germline): Uncertain significance (1 of 4 stars; one submission).

Allele frequency attached by ClinVar (database versions not stated): gnomAD exomes below 0.00001.
gnomAD v4.1: 2 of 1,613,044 alleles (0.00012%); highest among the groups gnomAD compares: Non-Finnish European, 0.00017%; no homozygotes.

Submission:

Labcorp Genetics (formerly Invitae), Labcorp
Classification: Uncertain significance. Last evaluated: 2022-11-01. Review status: criteria provided, single submitter. Criteria: Invitae Variant Classification Sherloc (09022015). Collection method: clinical testing. Allele origin: germline.
Comment: This sequence change replaces glycine, which is neutral and non-polar, with arginine, which is basic and polar, at codon 557 of the SLC12A6 protein (p.Gly557Arg). This variant is not present in population databases (gnomAD no frequency). This variant has not been reported in the literature in individuals affected with SLC12A6-related conditions. ClinVar contains an entry for this variant (Variation ID: 1380605). Advanced modeling of protein sequence and biophysical properties (such as structural, functional, and spatial information, amino acid conservation, physicochemical variation, residue mobility, and thermodynamic stability) performed at Invitae indicates that this missense variant is not expected to disrupt SLC12A6 protein function. In summary, the available evidence is currently insufficient to determine the role of this variant in disease. Therefore, it has been classified as a Variant of Uncertain Significance.